The following is an entry in ClinVar:

ClinVar aggregate classification (germline): Uncertain significance (1 of 4 stars; one submission).

Conditions:
Cornelia de Lange syndrome 1 (CDLS1). Also called: Brachmann de Lange syndrome; NIPBL-Related Cornelia de Lange Syndrome; TYPUS DEGENERATIVUS AMSTELODAMENSIS. Identifiers: Orphanet 199, MedGen C4551851, MONDO:0007387, OMIM 122470.

gnomAD v4.1: 1 of 1,610,770 alleles (0.000062%); no homozygotes.

Submission:

Labcorp Genetics (formerly Invitae), Labcorp
Classification: Uncertain significance for Cornelia de Lange syndrome 1. Last evaluated: 2024-06-10. Review status: criteria provided, single submitter. Criteria: Invitae Variant Classification Sherloc (09022015). Collection method: clinical testing. Allele origin: germline.
Comment: This sequence change replaces isoleucine, which is neutral and non-polar, with valine, which is neutral and non-polar, at codon 1875 of the NIPBL protein (p.Ile1875Val). This variant is not present in population databases (gnomAD no frequency). This variant has not been reported in the literature in individuals affected with NIPBL-related conditions. Advanced modeling of protein sequence and biophysical properties (such as structural, functional, and spatial information, amino acid conservation, physicochemical variation, residue mobility, and thermodynamic stability) has been performed at Invitae for this missense variant, however the output from this modeling did not meet the statistical confidence thresholds required to predict the impact of this variant on NIPBL protein function. In summary, the available evidence is currently insufficient to determine the role of this variant in disease. Therefore, it has been classified as a Variant of Uncertain Significance.

NM_133433.4(NIPBL):c.5623A>G (p.Ile1875Val)

Gene: NIPBL (NIPBL cohesin loading factor; plus strand). Cytogenetic location: 5p13.2.
Variant type: single nucleotide variant.
Coding change: c.5623A>G on transcript NM_133433.4 (MANE Select); coding-DNA position 5623, A replaced by G.
Protein change: p.Ile1875Val; replaces isoleucine 1875 with valine.
Molecular consequence: missense variant.
Genome position (GRCh38, 1-based): chr5:37,024,633, A>G. VCF-style: chr5-37024633-A-G. GRCh37 (hg19) VCF-style: chr5-37024735-A-G.
Other names: c.5623A>G, p.Ile1875Val (NM_015384.5); short protein forms I1875V.
Identifiers: ClinVar variation 3635352 (VCV003635352.2).